The following is an entry in ClinVar:

NM_000155.4(GALT):c.1057C>T (p.Gln353Ter)

Gene: GALT (galactose-1-phosphate uridylyltransferase; plus strand). Cytogenetic location: 9p13.3.
Variant type: single nucleotide variant.
Coding change: c.1057C>T on transcript NM_000155.4 (MANE Select); coding-DNA position 1057, C replaced by T.
Protein change: p.Gln353Ter; replaces glutamine 353 with a stop codon.
Molecular consequence: nonsense.
Genome position (GRCh38, 1-based): chr9:34,649,562, C>T. VCF-style: chr9-34649562-C-T. GRCh37 (hg19) VCF-style: chr9-34649559-C-T.
Other names: NM_000155.4(GALT):c.1057C>T; p.Gln353Ter; c.730C>T, p.Gln244Ter (NM_001258332.2); short protein forms Q353*, Q244*.
Identifiers: ClinVar variation 25325 (VCV000025325.14), dbSNP rs111033818, ClinGen allele CA259577.
Genomic context (GRCh38, chr9:34,649,562, plus strand): 5'-CGGAAATTCATGGTTGGCTACGAAATGCTTGCTCAGGCTCAGAGGGACCTCACCCCTGAG[C>T]AGGTCAGGACTCAGAACAGTCTGGCGTCTCCAGACTCTCACATGCAGTATGTGCAGGCAC-3'

ClinVar aggregate classification (germline): Likely pathogenic. Review status: reviewed by expert panel (3 of 4 stars). 5 submissions from 5 submitters: Likely pathogenic (1). 4 of the submissions do not count toward it. Last evaluated 2026-06-09.

Conditions:
Galactosemia. Also called: Galactose intolerance. Identifiers: Orphanet 352, MedGen C0016952, MONDO:0018116, HP:0004919. Disease mechanism: loss of function.
Deficiency of UDPglucose-hexose-1-phosphate uridylyltransferase. Also called: Transferase Deficiency Galactosemia; GALACTOSE-1-PHOSPHATE URIDYLYLTRANSFERASE DEFICIENCY; GALACTOSEMIA I; GALT deficiency; Galactosemia, classic. Identifiers: Orphanet 352, Orphanet 79239, MedGen C0268151, MONDO:0009258, OMIM 230400.

Submissions (5):

Clingen Galactosemia Variant Curation Expert Panel, ClinGen
Classification: Likely pathogenic for Galactosemia. Last evaluated: 2026-06-09. Review status: reviewed by expert panel. Criteria: ClinGen Galactosemia ACMG Specifications GALT V1.1. Collection method: curation. Allele origin: germline. Inheritance: Autosomal recessive inheritance.
Comment: The c.1057C>T (p.Gln353Ter) variant in GALT is a nonsense variant that may cause loss of function of the protein; however it is predicted to escape nonsense mediated decay and remove <10% of the protein (PVS1_Moderate). This variant has been detected in at least one individual with galactosemia (VCEP Internal Data). This individual displayed an abnormal newborn screen followed by confirmatory GALT testing showing reduced enzyme activity, which is highly specific for galactosemia (PP4_Moderate, VCEP Internal Data). This variant is only observed on one allele out of 1,614,162 in gnomAD v4.1.0 (PM2_Supporting). In summary, this variant meets the criteria to be classified as likely pathogenic for galactosemia based on the ACMG/AMP criteria applied, as specified by the ClinGen Galactosemia VCEP: PVS1_Moderate, PM2_Supporting, PM3, PP4_Moderate (GALT specifications version 1.0).

Natera, Inc.
Classification: Likely pathogenic for Galactosemia. Last evaluated: 2025-11-25. Review status: criteria provided, single submitter. Criteria: Natera Variant Classification Schema (03/2026). Collection method: clinical testing. Allele origin: germline. Not counted in ClinVar's aggregate classification.
Comment: The c.1057C>T variant in GALT is a nonsense variant predicted to introduce a stop codon at amino acid 353. This variant is expected to result in nonsense mediated decay, truncation, or a dysfunctional protein product. This variant is rare in the general population with a frequency below the threshold expected for the associated phenotype(s). Given the available evidence, this variant is classified as Likely Pathogenic.

Labcorp Genetics (formerly Invitae), Labcorp
Classification: Pathogenic for Deficiency of UDPglucose-hexose-1-phosphate uridylyltransferase. Last evaluated: 2024-05-31. Review status: criteria provided, single submitter. Criteria: Invitae Variant Classification Sherloc (09022015). Collection method: clinical testing. Allele origin: germline. Not counted in ClinVar's aggregate classification.
Comment: This sequence change creates a premature translational stop signal (p.Gln353*) in the GALT gene. While this is not anticipated to result in nonsense mediated decay, it is expected to disrupt the last 27 amino acid(s) of the GALT protein. This variant is not present in population databases (gnomAD no frequency). This premature translational stop signal has been observed in individual(s) with galactose-1-phosphate uridylyltransferase deficiency (PMID: 17486650). ClinVar contains an entry for this variant (Variation ID: 25325). Algorithms developed to predict the effect of sequence changes on RNA splicing suggest that this variant may disrupt the consensus splice site. This variant disrupts a region of the GALT protein in which other variant(s) (p.Glu363Lys) have been determined to be pathogenic (PMID: 21150919, 30718057). This suggests that this is a clinically significant region of the protein, and that variants that disrupt it are likely to be disease-causing. For these reasons, this variant has been classified as Pathogenic.

Baylor Genetics
Classification: Pathogenic for Deficiency of UDPglucose-hexose-1-phosphate uridylyltransferase. Last evaluated: 2023-12-19. Review status: criteria provided, single submitter. Criteria: ACMG Guidelines, 2015. Collection method: clinical testing. Allele origin: unknown. Not counted in ClinVar's aggregate classification.

Counsyl
Classification: Likely pathogenic for Deficiency of UDPglucose-hexose-1-phosphate uridylyltransferase. Last evaluated: 2016-01-25. Review status: no assertion criteria provided. Collection method: clinical testing. Allele origin: unknown. Not counted in ClinVar's aggregate classification.

Literature cited by the submitters: PubMed 17486650 (cited by Labcorp Genetics (formerly Invitae), Labcorp); PubMed 21150919 (cited by Labcorp Genetics (formerly Invitae), Labcorp); PubMed 30718057 (cited by Labcorp Genetics (formerly Invitae), Labcorp); PubMed 11261429 (cited by Counsyl).